The following is an entry in ClinVar:

NM_000048.4(ASL):c.938C>A (p.Thr313Asn)

Gene: ASL (argininosuccinate lyase; plus strand). Cytogenetic location: 7q11.21.
Variant type: single nucleotide variant.
Coding change: c.938C>A on transcript NM_000048.4 (MANE Select); coding-DNA position 938, C replaced by A.
Protein change: p.Thr313Asn; replaces threonine 313 with asparagine.
Molecular consequence: missense variant. On other transcripts: intron variant (1).
Genome position (GRCh38, 1-based): chr7:66,089,295, C>A. VCF-style: chr7-66089295-C-A. GRCh37 (hg19) VCF-style: chr7-65554282-C-A.
Other names: c.938C>A, p.Thr313Asn (NM_001024943.2); c.860C>A, p.Thr287Asn (NM_001024946.2); c.918+120C>A (NM_001024944.2); short protein forms T287N, T313N.
Identifiers: ClinVar variation 641632 (VCV000641632.4), dbSNP rs1410031530, ClinGen allele CA367646268.

ClinVar aggregate classification (germline): Uncertain significance. Review status: criteria provided, multiple submitters, no conflicts (2 of 4 stars). 3 submissions from 3 submitters: Uncertain significance (2). 1 of the submissions does not count toward it. Last evaluated 2021-08-28.

Conditions:
Argininosuccinate lyase deficiency. Also called: ARGININOSUCCINIC ACID LYASE DEFICIENCY; ASL DEFICIENCY; Argininosuccinic aciduria. Identifiers: Orphanet 23, MedGen C0268547, MONDO:0008815, OMIM 207900, HP:0025630.
Inborn genetic diseases. Identifiers: MedGen C0950123, MeSH D030342.

Allele frequency attached by ClinVar (database versions not stated): gnomAD exomes 0.00001; gnomAD 0.00002 and 0.00003; TOPMed 0.00003.
gnomAD v4.1: 18 of 1,610,204 alleles (0.0011%); highest among the groups gnomAD compares: Admixed American, 0.0034%; no homozygotes.

Submissions (3):

Labcorp Genetics (formerly Invitae), Labcorp
Classification: Uncertain significance for Argininosuccinate lyase deficiency. Last evaluated: 2021-08-28. Review status: criteria provided, single submitter. Criteria: Invitae Variant Classification Sherloc (09022015). Collection method: clinical testing. Allele origin: germline.
Comment: This sequence change replaces threonine with asparagine at codon 313 of the ASL protein (p.Thr313Asn). The threonine residue is highly conserved and there is a small physicochemical difference between threonine and asparagine. This variant is not present in population databases (ExAC no frequency). This variant has not been reported in the literature in individuals affected with ASL-related conditions. Algorithms developed to predict the effect of missense changes on protein structure and function are either unavailable or do not agree on the potential impact of this missense change (SIFT: "Deleterious"; PolyPhen-2: "Benign"; Align-GVGD: "Class C0"). In summary, the available evidence is currently insufficient to determine the role of this variant in disease. Therefore, it has been classified as a Variant of Uncertain Significance.

Ambry Genetics
Classification: Uncertain significance for Inborn genetic diseases. Last evaluated: 2021-05-21. Review status: criteria provided, single submitter. Criteria: Ambry Variant Classification Scheme 2023. Collection method: clinical testing. Allele origin: germline.

Natera, Inc.
Classification: Uncertain significance for Argininosuccinate lyase deficiency. Last evaluated: 2020-03-10. Review status: no assertion criteria provided. Collection method: clinical testing. Allele origin: germline. Not counted in ClinVar's aggregate classification.